The following is an entry in ClinVar:

ClinVar aggregate classification (germline): Uncertain significance. Review status: criteria provided, multiple submitters, no conflicts (2 of 4 stars). 2 submissions from 2 submitters: Uncertain significance (2). Last evaluated 2024-03-05.

Conditions:
Inborn genetic diseases. Identifiers: MedGen C0950123, MeSH D030342.

Submissions (2):

Labcorp Genetics (formerly Invitae), Labcorp
Classification: Uncertain significance. Last evaluated: 2024-03-05. Review status: criteria provided, single submitter. Criteria: Invitae Variant Classification Sherloc (09022015). Collection method: clinical testing. Allele origin: germline.
Comment: This sequence change replaces glycine, which is neutral and non-polar, with arginine, which is basic and polar, at codon 1159 of the COL11A2 protein (p.Gly1159Arg). This variant is not present in population databases (gnomAD no frequency). This variant has not been reported in the literature in individuals affected with COL11A2-related conditions. ClinVar contains an entry for this variant (Variation ID: 2526000). An algorithm developed to predict the effect of missense changes on protein structure and function (PolyPhen-2) suggests that this variant is likely to be disruptive. Algorithms developed to predict the effect of sequence changes on RNA splicing suggest that this variant may disrupt the consensus splice site. In summary, the available evidence is currently insufficient to determine the role of this variant in disease. Therefore, it has been classified as a Variant of Uncertain Significance.

Ambry Genetics
Classification: Uncertain significance for Inborn genetic diseases. Last evaluated: 2023-03-15. Review status: criteria provided, single submitter. Criteria: Ambry Variant Classification Scheme 2023. Collection method: clinical testing. Allele origin: germline.

NM_080680.3(COL11A2):c.3475G>C (p.Gly1159Arg)

Gene: COL11A2 (collagen type XI alpha 2 chain; minus strand). Cytogenetic location: 6p21.32.
Variant type: single nucleotide variant.
Coding change: c.3475G>C on transcript NM_080680.3 (MANE Select); coding-DNA position 3475, G replaced by C.
Protein change: p.Gly1159Arg; replaces glycine 1159 with arginine.
Molecular consequence: missense variant.
Genome position (GRCh38, 1-based): chr6:33,170,610, C>G on the plus strand (G>C on the coding strand, the complement: COL11A2 is on the minus strand). VCF-style: chr6-33170610-C-G. GRCh37 (hg19) VCF-style: chr6-33138387-C-G.
Other names: c.3154G>C, p.Gly1052Arg (NM_080679.3); c.3217G>C, p.Gly1073Arg (NM_080681.3); short protein forms G1159R, G1052R, G1073R.
Identifiers: ClinVar variation 2526000 (VCV002526000.5), dbSNP rs2534784426, ClinGen allele CA363630721.
Genomic context (GRCh38, chr6:33,170,610, plus strand): 5'-CACTCACCATAGGACCCACATCTCCTGTTTCTCCCTTCTCCCCAGAGGGGCCTGGCAAAC[C>G]CTGTGCAAGTATACAAAACATGGGCCCAGGTGACGACCCCACCCAAAGCACAGCCCTAGG-3'
Protein context (NP_542411.2, residues 1149-1169): NGPPGPIGLQ[Gly1159Arg]LPGPSGEKGE